The following is an entry in ClinVar:

ClinVar aggregate classification (germline): Likely benign. Review status: criteria provided, multiple submitters, no conflicts (2 of 4 stars). 6 submissions from 6 submitters: Likely benign (6). Last evaluated 2025-07-24.

Conditions:
Cardiovascular phenotype. Identifiers: MedGen CN230736.
Cardiac arrhythmia. Also called: Arrhythmia; Cardiac rhythm disease. Identifiers: MedGen C0003811, MONDO:0007263, HP:0011675.
Long QT syndrome (LQTS). Identifiers: MedGen C0023976, MeSH D008133, MONDO:0002442. Disease mechanism: loss of function. Inheritance: Various modes of inheritance.

Allele frequency attached by ClinVar (database versions not stated): gnomAD 0.00001 and 0.00002; TOPMed 0.00001; gnomAD exomes 0.00002; ESP Exome Variant Server 0.00015; ExAC 0.00002.
gnomAD v4.1: 27 of 1,613,974 alleles (0.0017%); highest among the groups gnomAD compares: South Asian, 0.0022%; no homozygotes.

Submissions (6):

Labcorp Genetics (formerly Invitae), Labcorp
Classification: Likely benign for Long QT syndrome. Last evaluated: 2025-07-24. Review status: criteria provided, single submitter. Criteria: Invitae Variant Classification Sherloc (09022015). Collection method: clinical testing. Allele origin: germline.

All of Us Research Program, National Institutes of Health
Classification: Likely benign for Long QT syndrome. Last evaluated: 2024-01-11. Review status: criteria provided, single submitter. Criteria: ACMG Guidelines, 2015. Collection method: clinical testing. Allele origin: germline. Inheritance: Autosomal dominant inheritance. Observed: 6 variant alleles, 6 heterozygotes.
Comment: This study involves interpretation of variants in research participants for the purpose of population health screening. Participant phenotype was not available at the time of variant classification. Additional details can be found in publication PMID: 35346344, PMCID: PMC8962531

GeneDx
Classification: Likely benign. Last evaluated: 2019-12-31. Review status: criteria provided, single submitter. Criteria: GeneDx Variant Classification Process June 2021. Collection method: clinical testing. Allele origin: germline. Affected: yes.
Comment: See Variant Classification Assertion Criteria.

Ambry Genetics
Classification: Likely benign for Cardiovascular phenotype. Last evaluated: 2019-09-29. Review status: criteria provided, single submitter. Criteria: Ambry Variant Classification Scheme 2023. Collection method: clinical testing. Allele origin: germline.

Women's Health and Genetics/Laboratory Corporation of America, LabCorp
Classification: Likely benign. Last evaluated: 2019-08-28. Review status: criteria provided, single submitter. Criteria: LabCorp Variant Classification Summary - May 2015. Collection method: clinical testing. Allele origin: germline.

Color Diagnostics, LLC DBA Color Health
Classification: Likely benign for Arrhythmia. Last evaluated: 2019-02-16. Review status: criteria provided, single submitter. Criteria: ACMG Guidelines, 2015. Collection method: clinical testing. Allele origin: germline.

Literature cited by the submitters: PubMed 25639344 (cited by Ambry Genetics).

NM_000218.3(KCNQ1):c.420C>T (p.Ser140=)

Gene: KCNQ1 (potassium voltage-gated channel subfamily Q member 1; plus strand). Cytogenetic location: 11p15.5.
Variant type: single nucleotide variant.
Coding change: c.420C>T on transcript NM_000218.3 (MANE Select); coding-DNA position 420, C replaced by T.
Protein change: p.Ser140=; no amino-acid change (serine 140 retained).
Molecular consequence: synonymous variant.
Genome position (GRCh38, 1-based): chr11:2,527,961, C>T. VCF-style: chr11-2527961-C-T. GRCh37 (hg19) VCF-style: chr11-2549191-C-T.
Other names: c.420C>T, p.Ser140= (NM_001406836.1, NM_001406838.1); c.150C>T, p.Ser50= (NM_001406837.1); c.39C>T, p.Ser13= (NM_181798.2).
Identifiers: ClinVar variation 633280 (VCV000633280.19), dbSNP rs377520734, ClinGen allele CA037102.